The following is an entry in ClinVar:

ClinVar aggregate classification (germline): Likely benign. Review status: criteria provided, multiple submitters, no conflicts (2 of 4 stars). 3 submissions from 3 submitters: Likely benign (3). Last evaluated 2025-08-18.

Conditions:
Developmental and epileptic encephalopathy, 25 (DEE25). Also called: Developmental and epileptic encephalopathy 25, with amelogenesis imperfecta; Epileptic encephalopathy, early infantile, 25, with amelogenesis imperfecta; Epileptic encephalopathy, early infantile, 25. Identifiers: Orphanet 442835, MedGen C4014621, MONDO:0014392, OMIM 615905.

Allele frequency attached by ClinVar (database versions not stated): gnomAD 0.00001; gnomAD exomes 0.00001 and 0.00002; ExAC 0.00002; TOPMed 0.00002.
gnomAD v4.1: 25 of 1,614,058 alleles (0.0015%); highest among the groups gnomAD compares: Middle Eastern, 0.017%; no homozygotes.

Submissions (3):

Labcorp Genetics (formerly Invitae), Labcorp
Classification: Likely benign for Developmental and epileptic encephalopathy, 25. Last evaluated: 2025-08-18. Review status: criteria provided, single submitter. Criteria: Invitae Variant Classification Sherloc (09022015). Collection method: clinical testing. Allele origin: germline.

Blueprint Genetics
Classification: Likely benign. Last evaluated: 2023-09-25. Review status: criteria provided, single submitter. Criteria: ACMG Guidelines, 2015. Collection method: clinical testing. Allele origin: germline.

GeneDx
Classification: Likely benign. Last evaluated: 2017-11-28. Review status: criteria provided, single submitter. Criteria: GeneDx Variant Classification (06012015). Collection method: clinical testing. Allele origin: germline. Affected: yes.
Comment: This variant is considered likely benign or benign based on one or more of the following criteria: it is a conservative change, it occurs at a poorly conserved position in the protein, it is predicted to be benign by multiple in silico algorithms, and/or has population frequency not consistent with disease.

NM_177550.5(SLC13A5):c.1323C>T (p.His441=)

Gene: SLC13A5 (solute carrier family 13 member 5; minus strand). Cytogenetic location: 17p13.1.
Variant type: single nucleotide variant.
Coding change: c.1323C>T on transcript NM_177550.5 (MANE Select); coding-DNA position 1323, C replaced by T.
Protein change: p.His441=; no amino-acid change (histidine 441 retained).
Molecular consequence: synonymous variant.
Genome position (GRCh38, 1-based): chr17:6,690,893, G>A on the plus strand (C>T on the coding strand, the complement: SLC13A5 is on the minus strand). VCF-style: chr17-6690893-G-A. GRCh37 (hg19) VCF-style: chr17-6594212-G-A.
Other names: c.1323C>T, p.His441= (NM_001143838.3); c.1272C>T, p.His424= (NM_001284509.2); c.1194C>T, p.His398= (NM_001284510.2).
Identifiers: ClinVar variation 513770 (VCV000513770.11), dbSNP rs368369308, ClinGen allele CA8331418.